The following is an entry in ClinVar:

ClinVar aggregate classification (germline): Uncertain significance (1 of 4 stars; one submission).

Conditions:
Immunodeficiency 23 (IMD23). Also called: IMMUNODEFICIENCY WITH HYPER IgE AND COGNITIVE IMPAIRMENT; IMMUNODEFICIENCY-VASCULITIS-MYOCLONUS SYNDROME. Identifiers: Orphanet 443811, MedGen C4014371, MONDO:0014353, OMIM 615816.

Allele frequency attached by ClinVar (database versions not stated): gnomAD exomes below 0.00001.
gnomAD v4.1: 1 of 1,614,160 alleles (0.000062%); highest among the groups gnomAD compares: Admixed American, 0.0017%; no homozygotes.

Submission:

Labcorp Genetics (formerly Invitae), Labcorp
Classification: Uncertain significance for Immunodeficiency 23. Last evaluated: 2022-02-12. Review status: criteria provided, single submitter. Criteria: Invitae Variant Classification Sherloc (09022015). Collection method: clinical testing. Allele origin: germline.
Comment: This sequence change replaces asparagine, which is neutral and polar, with aspartic acid, which is acidic and polar, at codon 124 of the PGM3 protein (p.Asn124Asp). This variant is present in population databases (no rsID available, gnomAD 0.003%). This variant has not been reported in the literature in individuals affected with PGM3-related conditions. Algorithms developed to predict the effect of missense changes on protein structure and function are either unavailable or do not agree on the potential impact of this missense change (SIFT: "Deleterious"; PolyPhen-2: "Benign"; Align-GVGD: "Class C0"). Algorithms developed to predict the effect of sequence changes on RNA splicing suggest that this variant may create or strengthen a splice site. In summary, the available evidence is currently insufficient to determine the role of this variant in disease. Therefore, it has been classified as a Variant of Uncertain Significance.

NM_015599.3(PGM3):c.286A>G (p.Asn96Asp)

Gene: PGM3 (phosphoglucomutase 3; minus strand). Cytogenetic location: 6q14.1.
Variant type: single nucleotide variant.
Coding change: c.286A>G on transcript NM_015599.3 (MANE Select); coding-DNA position 286, A replaced by G.
Protein change: p.Asn96Asp; replaces asparagine 96 with aspartic acid.
Molecular consequence: missense variant. On other transcripts: non-coding transcript variant (1).
Genome position (GRCh38, 1-based): chr6:83,188,717, T>C on the plus strand (A>G on the coding strand, the complement: PGM3 is on the minus strand). VCF-style: chr6-83188717-T-C. GRCh37 (hg19) VCF-style: chr6-83898436-T-C.
Other names: c.370A>G, p.Asn124Asp (NM_001199917.2, NM_001367287.1); c.43A>G, p.Asn15Asp (NM_001199918.2); c.286A>G, p.Asn96Asp (NM_001199919.2, NM_001367286.1); short protein forms N124D, N96D, N15D.
Identifiers: ClinVar variation 1926171 (VCV001926171.2), dbSNP rs1296862413, ClinGen allele CA364852005.